The following is an entry in ClinVar:

NM_000342.4(SLC4A1):c.1071C>G (p.Ser357Arg)

Gene: SLC4A1 (solute carrier family 4 member 1 (Diego blood group); minus strand). Cytogenetic location: 17q21.31.
Variant type: single nucleotide variant.
Coding change: c.1071C>G on transcript NM_000342.4 (MANE Select); coding-DNA position 1071, C replaced by G.
Protein change: p.Ser357Arg; replaces serine 357 with arginine.
Molecular consequence: missense variant.
Genome position (GRCh38, 1-based): chr17:44,258,429, G>C on the plus strand (C>G on the coding strand, the complement: SLC4A1 is on the minus strand). VCF-style: chr17-44258429-G-C. GRCh37 (hg19) VCF-style: chr17-42335797-G-C.
Other names: p.Ser357Arg; short protein forms S357R.
Identifiers: ClinVar variation 2683427 (VCV002683427.1), dbSNP rs1243523699, ClinGen allele CA399788487.

ClinVar aggregate classification (germline): Uncertain significance (1 of 4 stars; one submission).

Allele frequency attached by ClinVar (database versions not stated): gnomAD exomes below 0.00001; TOPMed below 0.00001; gnomAD 0.00003.
gnomAD v4.1: 5 of 1,613,988 alleles (0.00031%); highest among the groups gnomAD compares: African/African-American, 0.0067%; no homozygotes.

Submission:

Mayo Clinic Laboratories, Mayo Clinic
Classification: Uncertain significance. Last evaluated: 2022-06-24. Review status: criteria provided, single submitter. Criteria: ACMG Guidelines, 2015. Collection method: clinical testing. Allele origin: germline. Observed: 1 variant allele.
Comment: PM2